The following is an entry in ClinVar:

NM_001961.4(EEF2):c.746G>A (p.Arg249Gln)

Gene: EEF2 (eukaryotic translation elongation factor 2; minus strand). Cytogenetic location: 19p13.3.
Variant type: single nucleotide variant.
Coding change: c.746G>A on transcript NM_001961.4 (MANE Select); coding-DNA position 746, G replaced by A.
Protein change: p.Arg249Gln; replaces arginine 249 with glutamine.
Molecular consequence: missense variant.
Genome position (GRCh38, 1-based): chr19:3,982,291, C>T on the plus strand (G>A on the coding strand, the complement: EEF2 is on the minus strand). VCF-style: chr19-3982291-C-T. GRCh37 (hg19) VCF-style: chr19-3982289-C-T.
Other names: short protein forms R249Q.
Identifiers: ClinVar variation 804783 (VCV000804783.5), dbSNP rs769755490, ClinGen allele CA9089216.

ClinVar aggregate classification (germline): Conflicting classifications of pathogenicity. Review status: criteria provided, conflicting classifications (1 of 4 stars). 3 submissions from 3 submitters: Uncertain significance (2); Likely benign (1). Last evaluated 2023-04-09.

Allele frequency attached by ClinVar (database versions not stated): gnomAD 0.00001; gnomAD exomes 0.00002 and 0.00010; TOPMed 0.00005; ExAC 0.00012.
gnomAD v4.1: 40 of 1,614,064 alleles (0.0025%); highest among the groups gnomAD compares: Admixed American, 0.04%; 1 homozygote.

Submissions (3):

Labcorp Genetics (formerly Invitae), Labcorp
Classification: Uncertain significance. Last evaluated: 2023-04-09. Review status: criteria provided, single submitter. Criteria: Invitae Variant Classification Sherloc (09022015). Collection method: clinical testing. Allele origin: germline.
Comment: In summary, the available evidence is currently insufficient to determine the role of this variant in disease. Therefore, it has been classified as a Variant of Uncertain Significance. An algorithm developed to predict the effect of missense changes on protein structure and function (PolyPhen-2) suggests that this variant is likely to be tolerated. ClinVar contains an entry for this variant (Variation ID: 804783). This variant has not been reported in the literature in individuals affected with EEF2-related conditions. This variant is present in population databases (rs769755490, gnomAD 0.05%), and has an allele count higher than expected for a pathogenic variant. This sequence change replaces arginine, which is basic and polar, with glutamine, which is neutral and polar, at codon 249 of the EEF2 protein (p.Arg249Gln).

Ambry Genetics
Classification: Uncertain significance. Last evaluated: 2021-06-22. Review status: criteria provided, single submitter. Criteria: Ambry Variant Classification Scheme 2023. Collection method: clinical testing. Allele origin: germline.

Athena Diagnostics
Classification: Likely benign. Last evaluated: 2019-03-31. Review status: criteria provided, single submitter. Criteria: Athena Diagnostics Criteria. Collection method: clinical testing. Allele origin: germline.